The following is an entry in ClinVar:

ClinVar aggregate classification (germline): Conflicting classifications of pathogenicity. Review status: criteria provided, conflicting classifications (1 of 4 stars). 2 submissions from 2 submitters: Uncertain significance (1); Likely benign (1). Last evaluated 2025-12-23.

Conditions:
Alpha thalassemia-X-linked intellectual disability syndrome (ATRX). Also called: ALPHA-THALASSEMIA/MENTAL RETARDATION SYNDROME, X-LINKED; ATR, NONDELETION TYPE; ATR-X syndrome; Alpha thalassemia mental retardation syndrome, nondeletion type, X-linked; XLMR hypotonic face syndrome; X-linked alpha-thalassemia-mental retardation syndrome. Identifiers: Orphanet 847, MedGen C1845055, MONDO:0010519, OMIM 301040.

Submissions (2):

Labcorp Genetics (formerly Invitae), Labcorp
Classification: Likely benign for Alpha thalassemia-X-linked intellectual disability syndrome. Last evaluated: 2025-12-23. Review status: criteria provided, single submitter. Criteria: Invitae Variant Classification Sherloc (09022015). Collection method: clinical testing. Allele origin: germline.

Women's Health and Genetics/Laboratory Corporation of America, LabCorp
Classification: Uncertain significance. Last evaluated: 2024-12-10. Review status: criteria provided, single submitter. Criteria: LabCorp Variant Classification Summary - May 2015. Collection method: clinical testing. Allele origin: germline.
Comment: Variant summary: ATRX c.4383_4394del12 (p.Glu1461_Glu1464del) results in an in-frame deletion that is predicted to remove four amino acids from the encoded protein. The variant allele was found at a frequency of 2.7e-05 in 181926 control chromosomes (gnomAD). The available data on variant occurrences in the general population are insufficient to allow any conclusion about variant significance. To our knowledge, no occurrence of c.4383_4394del12 in individuals affected with ATR-X Syndrome and no experimental evidence demonstrating its impact on protein function have been reported. ClinVar contains an entry for this variant (Variation ID: 1126528). Based on the evidence outlined above, the variant was classified as uncertain significance.

NM_000489.6(ATRX):c.4371GGAGGAGGAAGA[1] (p.Glu1461_Glu1464del)

Gene: ATRX (ATRX chromatin remodeler; minus strand). Cytogenetic location: Xq21.1.
Variant type: Microsatellite.
Coding change: c.4371GGAGGAGGAAGA[1] on transcript NM_000489.6 (MANE Select); one copy of the 12-base unit GGAGGAGGAAGA starting at c.4371; the reference has two copies in a row; one copy, 12 bases deleted.
Protein change: p.Glu1461_Glu1464del.
Molecular consequence: inframe deletion.
Genome position (GRCh38, 1-based): chrX:77,652,277-77,652,288, TCTTCCTCCTCC deleted on the plus strand (GGAGGAGGAAGA on the coding strand, the reverse complement: ATRX is on the minus strand); deleting any 12 consecutive bases within chrX:77,652,277-77,652,302 gives the same sequence; the position shown is the placement nearest the transcript's 3' end. VCF-style (leftmost placement, unchanged base first): chrX-77652276-ATCTTCCTCCTCC-A. GRCh37 (hg19) VCF-style: chrX-76907766-ATCTTCCTCCTCC-A.
Other names: c.4383_4394del12 (NM_000489.6); c.4257GGAGGAGGAAGA[1], p.Glu1423_Glu1426del (NM_138270.5).
Identifiers: ClinVar variation 1126528 (VCV001126528.10), dbSNP rs781854613, ClinGen allele CA10457793.
Genomic context (GRCh38, chrX:77,652,276, plus strand): 5'-TTTAAGAATCTTCCGAATTTTCTTTCTGCCTTTTCCAGGAGACTTGGAATCATCATTTTC[ATCTTCCTCCTCC>A]TCTTCCTCCTCCTCCTCCTCTTCCTCCTCCTCTTCTTTTTCCTCCTCTTCTTCCTCAGAA-3'